The following is an entry in ClinVar:

NM_001723.7(DST):c.5452C>A (p.Gln1818Lys)

Gene: DST (dystonin; minus strand). Cytogenetic location: 6p12.1.
Variant type: single nucleotide variant.
Coding change: c.5452C>A on transcript NM_001723.7 (MANE Plus Clinical); coding-DNA position 5452, C replaced by A.
Protein change: p.Gln1818Lys; replaces glutamine 1818 with lysine.
Molecular consequence: missense variant. On other transcripts: intron variant (10).
Genome position (GRCh38, 1-based): chr6:56,618,582, G>T on the plus strand (C>A on the coding strand, the complement: DST is on the minus strand). VCF-style: chr6-56618582-G-T. GRCh37 (hg19) VCF-style: chr6-56483380-G-T.
Other names: c.4831-4098C>A (NM_001144769.5); c.4930-4098C>A (NM_001374722.1, NM_001374736.1); c.4957-4098C>A (NM_001374734.1); c.4417-4098C>A (NM_001144770.2); c.4297-4098C>A (NM_001374730.1, NM_001386100.1, NM_183380.4 and 1 more transcripts); c.3319-4098C>A (NM_015548.5); short protein forms Q1818K.
Identifiers: ClinVar variation 2146107 (VCV002146107.4), dbSNP rs759140816, ClinGen allele CA3870357.
Genomic context (GRCh38, chr6:56,618,582, plus strand): 5'-GGGCTATCAGCTCATCCTCAAGTTTCTGACATTTTTGGTAATGATTTGCTTCCATGTGCT[G>T]CCCTTGCTGCATTTGTTCACGATACTGTTGAAGCTGTCTTTCAAGTTCTTTAATGTTTGT-3'
Protein context (NP_001714.1, residues 1808-1828): QQYREQMQQG[Gln1818Lys]HMEANHYQKC

ClinVar aggregate classification (germline): Uncertain significance (1 of 4 stars; one submission).

Conditions:
Hereditary sensory and autonomic neuropathy type 6. Also called: Neuropathy, hereditary sensory and autonomic, type VI; HSAN VI. Identifiers: Orphanet 314381, MedGen C3539003, MONDO:0013839, OMIM 614653.
Epidermolysis bullosa simplex 3, localized or generalized intermediate, with BP230 deficiency (EBS3). Also called: Epidermolysis bullosa simplex due to BP230 deficiency; Epidermolysis bullosa simplex, autosomal recessive 2. Identifiers: Orphanet 412181, MedGen C3809470, MONDO:0014180, OMIM 615425.

Allele frequency attached by ClinVar (database versions not stated): gnomAD exomes below 0.00001; ExAC 0.00001; gnomAD 0.00001.
gnomAD v4.1: 4 of 1,613,962 alleles (0.00025%); highest among the groups gnomAD compares: Admixed American, 0.0017%; no homozygotes.

Submission:

Labcorp Genetics (formerly Invitae), Labcorp
Classification: Uncertain significance for Epidermolysis bullosa simplex 3, localized or generalized intermediate, with BP230 deficiency; Hereditary sensory and autonomic neuropathy type 6. Last evaluated: 2022-05-12. Review status: criteria provided, single submitter. Criteria: Invitae Variant Classification Sherloc (09022015). Collection method: clinical testing. Allele origin: germline.
Comment: This sequence change replaces glutamine, which is neutral and polar, with lysine, which is basic and polar, at codon 1818 of the DST protein (p.Gln1818Lys). This variant is present in population databases (rs759140816, gnomAD 0.003%). This variant has not been reported in the literature in individuals affected with DST-related conditions. Algorithms developed to predict the effect of missense changes on protein structure and function (SIFT, PolyPhen-2, Align-GVGD) all suggest that this variant is likely to be tolerated. In summary, the available evidence is currently insufficient to determine the role of this variant in disease. Therefore, it has been classified as a Variant of Uncertain Significance.